The following is an entry in ClinVar:

NM_003384.3(VRK1):c.889+1G>T

Gene: VRK1 (VRK serine/threonine kinase 1; plus strand). Cytogenetic location: 14q32.2.
Variant type: single nucleotide variant.
Coding change: c.889+1G>T on transcript NM_003384.3 (MANE Select); the canonical splice donor site of the intron after coding-DNA position 889, G replaced by T.
Molecular consequence: splice donor variant.
Genome position (GRCh38, 1-based): chr14:96,856,587, G>T. VCF-style: chr14-96856587-G-T. GRCh37 (hg19) VCF-style: chr14-97322924-G-T.
Other names: c.889+1G>T (NM_001411051.1, NM_001411053.1).
Identifiers: ClinVar variation 945901 (VCV000945901.12), dbSNP rs1482696609, ClinGen allele CA390931791.

ClinVar aggregate classification (germline): Likely pathogenic. Review status: criteria provided, multiple submitters, no conflicts (2 of 4 stars). 3 submissions from 3 submitters: Likely pathogenic (3). Last evaluated 2025-06-20.

Conditions:
Inborn genetic diseases. Identifiers: MedGen C0950123, MeSH D030342.
Pontocerebellar hypoplasia type 1A (PCH1A). Also called: PONTOCEREBELLAR HYPOPLASIA WITH ANTERIOR HORN CELL DISEASE; PONTOCEREBELLAR HYPOPLASIA WITH INFANTILE SPINAL MUSCULAR ATROPHY. Identifiers: Orphanet 2254, Orphanet 88616, MedGen C1843504, MONDO:0011866, OMIM 607596.

Allele frequency attached by ClinVar (database versions not stated): gnomAD exomes below 0.00001; gnomAD 0.00001.
gnomAD v4.1: 3 of 1,612,834 alleles (0.00019%); highest among the groups gnomAD compares: Non-Finnish European, 0.00025%; no homozygotes.

Submissions (3):

Natera, Inc.
Classification: Likely pathogenic for Pontocerebellar hypoplasia, type 1a. Last evaluated: 2025-06-20. Review status: criteria provided, single submitter. Criteria: Natera Variant Classification Schema (03/2026). Collection method: clinical testing. Allele origin: germline.
Comment: The c.889+1G>T variant in VRK1 is a canonical splice donor site variant predicted to affect pre-mRNA splicing, which may result in an abnormal transcript and altered protein product. This variant is expected to result in nonsense mediated decay, truncation, or a dysfunctional protein product. This variant is rare in the general population with a frequency below the threshold expected for the associated phenotype(s). Given the available evidence, this variant is classified as Likely Pathogenic.

Labcorp Genetics (formerly Invitae), Labcorp
Classification: Likely pathogenic for Pontocerebellar hypoplasia type 1A. Last evaluated: 2023-03-04. Review status: criteria provided, single submitter. Criteria: Invitae Variant Classification Sherloc (09022015). Collection method: clinical testing. Allele origin: germline.
Comment: This sequence change affects a donor splice site in intron 10 of the VRK1 gene. It is expected to disrupt RNA splicing. Variants that disrupt the donor or acceptor splice site typically lead to a loss of protein function (PMID: 16199547), and loss-of-function variants in VRK1 are known to be pathogenic (PMID: 19646678, 24126608, 27281532). This variant is present in population databases (no rsID available, gnomAD 0.0009%). This variant has not been reported in the literature in individuals affected with VRK1-related conditions. ClinVar contains an entry for this variant (Variation ID: 945901). Algorithms developed to predict the effect of sequence changes on RNA splicing suggest that this variant may disrupt the consensus splice site. In summary, the currently available evidence indicates that the variant is pathogenic, but additional data are needed to prove that conclusively. Therefore, this variant has been classified as Likely Pathogenic.

Ambry Genetics
Classification: Likely pathogenic for Inborn genetic diseases. Last evaluated: 2019-11-07. Review status: criteria provided, single submitter. Criteria: Ambry Variant Classification Scheme 2023. Collection method: clinical testing. Allele origin: germline.
Comment: The c.889+1G>T intronic variant results from a G to T substitution one nucleotide after coding exon 9 of the VRK1 gene. This nucleotide position is highly conserved in available vertebrate species. Using the BDGP and ESEfinder splice site prediction tools, this alteration is predicted to abolish the native splice donor site; however, direct evidence is unavailable. Alterations that disrupt the canonical splice site are expected to cause aberrant splicing, resulting in an abnormal protein or a transcript that is subject to nonsense-mediated mRNA decay. As such, this alteration is classified as likely pathogenic.

Literature cited by the submitters: PubMed 16199547 (cited by Labcorp Genetics (formerly Invitae), Labcorp); PubMed 19646678 (cited by Labcorp Genetics (formerly Invitae), Labcorp); PubMed 24126608 (cited by Labcorp Genetics (formerly Invitae), Labcorp); PubMed 27281532 (cited by Labcorp Genetics (formerly Invitae), Labcorp).